The following is an entry in ClinVar:

NM_000091.5(COL4A3):c.1621G>T (p.Gly541Cys)

Genes: COL4A3 (collagen type IV alpha 3 chain; plus strand), MFF-DT (MFF divergent transcript; minus strand). Cytogenetic location: 2q36.3.
Variant type: single nucleotide variant.
Coding change: c.1621G>T on transcript NM_000091.5 (MANE Select); coding-DNA position 1621, G replaced by T.
Protein change: p.Gly541Cys; replaces glycine 541 with cysteine.
Molecular consequence: missense variant.
Genome position (GRCh38, 1-based): chr2:227,270,815, G>T. VCF-style: chr2-227270815-G-T. GRCh37 (hg19) VCF-style: chr2-228135531-G-T.
Other names: p.(Gly541Cys); short protein forms G541C.
Identifiers: ClinVar variation 3776080 (VCV003776080.3).

ClinVar aggregate classification (germline): Likely pathogenic. Review status: criteria provided, multiple submitters, no conflicts (2 of 4 stars). 2 submissions from 2 submitters: Likely pathogenic (2). Last evaluated 2026-04-01.

Conditions:
Autosomal dominant Alport syndrome (ATS3A). Also called: ALPORT SYNDROME 3A, AUTOSOMAL DOMINANT; Alport syndrome dominant type; Renal failure and sensorineural hearing loss. Identifiers: Orphanet 63, Orphanet 88918, MedGen C5882663, MONDO:0007086, OMIM 104200.
Hematuria, benign familial, 2 (BFH2). Identifiers: MedGen C5830421, MONDO:0958186, OMIM 620320.
Alport syndrome 3b, autosomal recessive. Identifiers: MedGen C5882699, MONDO:0957811, OMIM 620536.

Submissions (2):

Centre de Génétique Humaine, Institut de Pathologie Et de Génétique
Classification: Likely pathogenic for Hematuria, benign familial, 2; Autosomal dominant Alport syndrome. Last evaluated: 2026-04-01. Review status: criteria provided, single submitter. Criteria: ACMG Guidelines, 2015. Collection method: clinical testing. Allele origin: maternal, germline. Inheritance: Autosomal dominant inheritance. Affected: yes. Observed: 3 variant alleles, 3 heterozygotes. Clinical features observed: Microscopic hematuria (HP:0002907), Proteinuria (HP:0000093), Stage 4 chronic kidney disease (HP:0012626), Hypertensive disorder (HP:0000822), Stage 2 chronic kidney disease (HP:0012624). Segregation with disease observed.
Comment: This missense variant involves a highly conserved glycine located in a ‘Gly-X-Y’ motif in a non-collagenous/ collagenous boundary region (PM1,PP2). This variant is rare: absent in gnomAD v4.1.0 database (PM2); In silico analysis supports that this missense variant has a deleterious effect (PP3). Another missense variant affecting the same residue described as LP: c.1622G>A, p.(Gly541Asp), PMID: 36685964 (PM5); described as LP in a patient with digenic Alport Syndrome (this variant and pathogenic heterozygous variant in COL4A4, PMID: 39558648) (PP5)

3billion
Classification: Likely pathogenic for Alport syndrome 3b, autosomal recessive. Last evaluated: 2025-12-04. Review status: criteria provided, single submitter. Criteria: ACMG Guidelines, 2015. Collection method: clinical testing. Allele origin: germline. Affected: yes.
Comment: The variant is not observed in the gnomAD v4.1.0 dataset. Predicted Consequence/Location: The variant is located in a mutational hot spot and/or well-established functional domain in which established pathogenic variants have been reported (PMID: 27627812, 30311386). In silico tool predictions suggest damaging effect of the variant on gene or gene product [REVEL: 0.94 (>=0.6, sensitivity 0.68 and specificity 0.92); 3Cnet: 0.79 (> 0.75, sensitivity 0.96 and precision 0.92)]. Different missense changes at the same codon (p.Gly541Ala, p.Gly541Asp) have been reported to be associated with COL4A3-related disorder (ClinVar ID: VCV002631041, VCV003033134 /PMID: 36685964). Therefore, this variant is classified as Likely pathogenic according to the recommendation of ACMG/AMP guideline.

Literature cited by the submitters: PubMed 39558648 (cited by Centre de Génétique Humaine, Institut de Pathologie Et de Génétique); PubMed 36685964 (cited by 3billion).